The following is an entry in ClinVar:

NM_015047.3(EMC1):c.1411G>C (p.Gly471Arg)

Genes: EMC1-AS1 (EMC1 antisense RNA 1; plus strand), EMC1 (ER membrane protein complex subunit 1; minus strand). Cytogenetic location: 1p36.13.
Variant type: single nucleotide variant.
Coding change: c.1411G>C on transcript NM_015047.3 (MANE Select); coding-DNA position 1411, G replaced by C.
Protein change: p.Gly471Arg; replaces glycine 471 with arginine.
Molecular consequence: missense variant.
Genome position (GRCh38, 1-based): chr1:19,235,151, C>G on the plus strand (G>C on the coding strand, the complement: EMC1 is on the minus strand). VCF-style: chr1-19235151-C-G. GRCh37 (hg19) VCF-style: chr1-19561645-C-G.
Other names: c.1408G>C, p.Gly470Arg (NM_001271427.2, NM_001271428.2); c.1345G>C, p.Gly449Arg (NM_001271429.2); short protein forms G471R, G470R, G449R.
Identifiers: ClinVar variation 219102 (VCV000219102.1), dbSNP rs879253819, ClinGen allele CA10575838.

ClinVar aggregate classification (germline): Pathogenic. Review status: no assertion criteria provided (0 of 4 stars). 2 submissions from 1 submitter: Pathogenic (1). 1 of the submissions does not count toward it.

Conditions:
Cerebellar atrophy, visual impairment, and psychomotor retardation;. Also called: Cerebellar atrophy, visual impairment, and psychomotor retardation. Identifiers: MedGen C4225172, MONDO:0014811, OMIM 616875.

Submissions (2):

Lupski Lab, Baylor-Hopkins CMG, Baylor College of Medicine
Classification: Pathogenic for Cerebellar atrophy, visual impairment, and psychomotor retardation;. Review status: no assertion criteria provided. Collection method: research. Allele origin: de novo. Inheritance: Autosomal dominant inheritance. Affected: yes.
Comment: Please see PMID: 26942288 for additional details.

Lupski Lab, Baylor-Hopkins CMG, Baylor College of Medicine
Classification: Uncertain significance. Review status: flagged submission. Criteria: Harel et al. (Am J Hum Genet. 2016). Collection method: research. Allele origin: de novo. Inheritance: Autosomal dominant inheritance. Affected: yes. Observed: 1 heterozygote. Not counted in ClinVar's aggregate classification.
ClinVar note: Reason: This record appears to be redundant with a more recent record from the same submitter.
ClinVar note: Notes: SCV000258468 appears to be redundant with SCV000494161.